The following is an entry in ClinVar:

NM_000053.4(ATP7B):c.2465T>C (p.Met822Thr)

Gene: ATP7B (ATPase copper transporting beta; minus strand). Cytogenetic location: 13q14.3.
Variant type: single nucleotide variant.
Coding change: c.2465T>C on transcript NM_000053.4 (MANE Select); coding-DNA position 2465, T replaced by C.
Protein change: p.Met822Thr; replaces methionine 822 with threonine.
Molecular consequence: missense variant. On other transcripts: intron variant (1).
Genome position (GRCh38, 1-based): chr13:51,950,382, A>G on the plus strand (T>C on the coding strand, the complement: ATP7B is on the minus strand). VCF-style: chr13-51950382-A-G. GRCh37 (hg19) VCF-style: chr13-52524518-A-G.
Other names: c.2135T>C, p.Met712Thr (NM_001406536.1); c.2321T>C, p.Met774Thr (NM_001406537.1, NM_001406520.1, NM_001406521.1 and 1 more transcripts); c.2231T>C, p.Met744Thr (NM_001406538.1, NM_001406527.1, NM_001406528.1 and 2 more transcripts); c.2036T>C, p.Met679Thr (NM_001406539.1); c.2213T>C, p.Met738Thr (NM_001406540.1, NM_001406531.1, NM_001406532.1 and 1 more transcripts); c.1979T>C, p.Met660Thr (NM_001406541.1, NM_001406542.1, NM_001406546.1 and 1 more transcripts); c.2117T>C, p.Met706Thr (NM_001406543.1); c.1883T>C, p.Met628Thr (NM_001406544.1); and 8 more; short protein forms M606T, M628T, M660T, M679T, M706T, M711T, M712T, M738T.
Identifiers: ClinVar variation 3387675 (VCV003387675.1).
Genomic context (GRCh38, chr13:51,950,382, plus strand): 5'-TCCACTGGAAACTTTCCCCCAGGGACCACCTTGACGATATCGCCCCGCTGCACCAGCTCC[A>G]TGGGGACTTGCTCCTCCCTGCAACAAACGCCACTTATCACTCACATGGCCACTCATTCGG-3'
Protein context (NP_000044.2, residues 812-832): NLIIREEQVP[Met822Thr]ELVQRGDIVK

ClinVar aggregate classification (germline): Uncertain significance (1 of 4 stars; one submission).

Conditions:
Wilson disease (WND). Also called: Wilson's disease. Identifiers: Orphanet 905, MedGen C0019202, MONDO:0010200, OMIM 277900. Disease mechanism: loss of function.

Submission:

All of Us Research Program, National Institutes of Health
Classification: Uncertain significance for Wilson disease. Last evaluated: 2024-08-06. Review status: criteria provided, single submitter. Criteria: ACMG Guidelines, 2015. Collection method: clinical testing. Allele origin: germline. Inheritance: Autosomal recessive inheritance. Observed: 1 variant allele, 1 heterozygote.
Comment: This study involves interpretation of variants in research participants for the purpose of population health screening. Participant phenotype was not available at the time of variant classification. Additional details can be found in publication PMID: 35346344, PMCID: PMC8962531